The following is an entry in ClinVar:

ClinVar aggregate classification (germline): Uncertain significance (1 of 4 stars; one submission).

Conditions:
Familial thoracic aortic aneurysm and aortic dissection (TAAD). Also called: Thoracic aortic aneurysms and dissections. Identifiers: Orphanet 91387, MedGen C4707243, MONDO:0019625.

Submission:

Labcorp Genetics (formerly Invitae), Labcorp
Classification: Uncertain significance for Familial thoracic aortic aneurysm and aortic dissection. Last evaluated: 2020-02-28. Review status: criteria provided, single submitter. Criteria: Invitae Variant Classification Sherloc (09022015). Collection method: clinical testing. Allele origin: germline.
Comment: This sequence change falls in intron 6 of the SMAD3 gene. It does not directly change the encoded amino acid sequence of the SMAD3 protein. In summary, the available evidence is currently insufficient to determine the role of this variant in disease. Therefore, it has been classified as a Variant of Uncertain Significance. Algorithms developed to predict the effect of sequence changes on RNA splicing suggest that this variant may disrupt the consensus splice site, but this prediction has not been confirmed by published transcriptional studies. This variant has not been reported in the literature in individuals with SMAD3-related conditions. This variant is not present in population databases (ExAC no frequency).

NM_005902.4(SMAD3):c.872-6_872-5del

Gene: SMAD3 (SMAD family member 3; plus strand). Cytogenetic location: 15q22.33.
Variant type: Microsatellite.
Coding change: c.872-6_872-5del on transcript NM_005902.4 (MANE Select); 6 bases into the intron before coding-DNA position 872 through 5 bases into the intron before coding-DNA position 872, 2 bases deleted (CT; older notation c.872-6_872-5delCT).
Molecular consequence: intron variant.
Genome position (GRCh38, 1-based): chr15:67,184,721-67,184,722, CT deleted; deleting any 2 consecutive bases within chr15:67,184,718-67,184,722 gives the same sequence; the c. name uses the placement nearest the transcript's 3' end. VCF-style (leftmost placement, unchanged base first): chr15-67184717-ATC-A. GRCh37 (hg19) VCF-style: chr15-67477055-ATC-A.
Other names: c.557-6_557-5del (NM_001145102.2); c.740-6_740-5del (NM_001145103.2); c.287-6_287-5del (NM_001145104.2).
Identifiers: ClinVar variation 1012011 (VCV001012011.8), dbSNP rs1963174213, ClinGen allele CA2184419089.